The following is an entry in ClinVar:

NM_201384.3(PLEC):c.13601G>A (p.Gly4534Glu)

Gene: PLEC (plectin; minus strand). Cytogenetic location: 8q24.3.
Variant type: single nucleotide variant.
Coding change: c.13601G>A on transcript NM_201384.3 (MANE Select); coding-DNA position 13601, G replaced by A.
Protein change: p.Gly4534Glu; replaces glycine 4534 with glutamic acid.
Molecular consequence: missense variant.
Genome position (GRCh38, 1-based): chr8:143,916,220, C>T on the plus strand (G>A on the coding strand, the complement: PLEC is on the minus strand). VCF-style: chr8-143916220-C-T. GRCh37 (hg19) VCF-style: chr8-144990388-C-T.
Other names: c.13682G>A, p.Gly4561Glu (NM_000445.5); c.13559G>A, p.Gly4520Glu (NM_201378.4); c.13535G>A, p.Gly4512Glu (NM_201379.3); c.14012G>A, p.Gly4671Glu (NM_201380.4); c.13505G>A, p.Gly4502Glu (NM_201381.3); c.13601G>A, p.Gly4534Glu (NM_201382.4); c.13613G>A, p.Gly4538Glu (NM_201383.3); short protein forms G4520E, G4534E, G4538E, G4671E, G4502E, G4512E, G4561E.
Identifiers: ClinVar variation 1414754 (VCV001414754.8), dbSNP rs2130772157, ClinGen allele CA372473443.
Genomic context (GRCh38, chr8:143,916,220, plus strand): 5'-GGTGGGCGCAGGCAGCCTCAGGCCACGGCAGACTCAGGGCCCCCCAGGGAGGCCGAGGAC[C>T]CCGAGGCGTAGCGGCGGCCGTAGCCCGAGGAGGAGTAGGAGGATGAAGAGAAGGTCATGG-3'
Protein context (NP_958786.1, residues 4524-4544): SSGYGRRYAS[Gly4534Glu]SSASLGGPES

ClinVar aggregate classification (germline): Uncertain significance (1 of 4 stars; one submission).

Conditions:
Epidermolysis bullosa simplex 5B, with muscular dystrophy (EBS5B). Also called: EPIDERMOLYSIS BULLOSA SIMPLEX AND LIMB-GIRDLE MUSCULAR DYSTROPHY; Epidermolysis bullosa simplex with muscular dystrophy. Identifiers: Orphanet 257, MedGen C2931072, MONDO:0009181, OMIM 226670.
Epidermolysis bullosa simplex, Ogna type (EBS5A). Also called: EPIDERMOLYSIS BULLOSA SIMPLEX 5A, OGNA TYPE; Pidermolysis bullosa simplex 5A, Ogna type. Identifiers: Orphanet 79401, MedGen C0432317, MONDO:0007555, OMIM 131950.
Epidermolysis bullosa simplex with nail dystrophy (EBS5D). Identifiers: MedGen C4225309, MONDO:0014661, OMIM 616487.
Autosomal recessive limb-girdle muscular dystrophy type 2Q (LGMDR17). Also called: MUSCULAR DYSTROPHY, LIMB-GIRDLE, AUTOSOMAL RECESSIVE 17. Identifiers: Orphanet 254361, MedGen C3150989, MONDO:0013390, OMIM 613723.
Epidermolysis bullosa simplex 5C, with pyloric atresia (EBS5C). Also called: Epidermolysis bullosa simplex with pyloric atresia; PLEC-Related Epidermolysis Bullosa with Pyloric Atresia; PLEC1-Related Epidermolysis Bullosa with Pyloric Atresia. Identifiers: Orphanet 158684, MedGen C2677349, MONDO:0012807, OMIM 612138.

Submission:

Labcorp Genetics (formerly Invitae), Labcorp
Classification: Uncertain significance for Autosomal recessive limb-girdle muscular dystrophy type 2Q; Epidermolysis bullosa simplex, Ogna type; Epidermolysis bullosa simplex with nail dystrophy; Epidermolysis bullosa simplex 5C, with pyloric atresia; Epidermolysis bullosa simplex 5B, with muscular dystrophy. Last evaluated: 2021-10-10. Review status: criteria provided, single submitter. Criteria: Invitae Variant Classification Sherloc (09022015). Collection method: clinical testing. Allele origin: germline.
Comment: In summary, the available evidence is currently insufficient to determine the role of this variant in disease. Therefore, it has been classified as a Variant of Uncertain Significance. Algorithms developed to predict the effect of missense changes on protein structure and function are either unavailable or do not agree on the potential impact of this missense change (SIFT: "Deleterious"; PolyPhen-2: "Not Available"; Align-GVGD: "Class C0"). This variant has not been reported in the literature in individuals affected with PLEC-related conditions. The frequency data for this variant in the population databases is considered unreliable, as metrics indicate insufficient coverage at this position in the ExAC database. This sequence change replaces glycine with glutamic acid at codon 4561 of the PLEC protein (p.Gly4561Glu). The glycine residue is moderately conserved and there is a moderate physicochemical difference between glycine and glutamic acid.